The following is an entry in ClinVar:

NM_207391.3(RGS9BP):c.508G>A (p.Val170Met)

Gene: RGS9BP (regulator of G protein signaling 9 binding protein; plus strand). Cytogenetic location: 19q13.11.
Variant type: single nucleotide variant.
Coding change: c.508G>A on transcript NM_207391.3 (MANE Select); coding-DNA position 508, G replaced by A.
Protein change: p.Val170Met; replaces valine 170 with methionine.
Molecular consequence: missense variant.
Genome position (GRCh38, 1-based): chr19:32,676,771, G>A. VCF-style: chr19-32676771-G-A. GRCh37 (hg19) VCF-style: chr19-33167677-G-A.
Other names: short protein forms V170M.
Identifiers: ClinVar variation 1429158 (VCV001429158.3), dbSNP rs567765232, ClinGen allele CA307486318.
Genomic context (GRCh38, chr19:32,676,771, plus strand): 5'-CTGGAGCGCGAGGTCCTTCAGGTGGGCGAGATGATCGACAACATGGAGATGAAGGTCAAC[G>A]TGCCCCGCTGGACCGTGCAAGCCCGGCAGGCGGCGGGCGCCGAGCTCCTGTCCACGGTCA-3'
Protein context (NP_997274.2, residues 160-180): MIDNMEMKVN[Val170Met]PRWTVQARQA

ClinVar aggregate classification (germline): Uncertain significance (1 of 4 stars; one submission).

Allele frequency attached by ClinVar (database versions not stated): gnomAD 0.00001; 1000 Genomes Project 30x 0.00016; 1000 Genomes Project 0.00040.

Submission:

Labcorp Genetics (formerly Invitae), Labcorp
Classification: Uncertain significance. Last evaluated: 2022-08-16. Review status: criteria provided, single submitter. Criteria: Invitae Variant Classification Sherloc (09022015). Collection method: clinical testing. Allele origin: germline.
Comment: This sequence change replaces valine, which is neutral and non-polar, with methionine, which is neutral and non-polar, at codon 170 of the RGS9BP protein (p.Val170Met). This variant is not present in population databases (gnomAD no frequency). This variant has not been reported in the literature in individuals affected with RGS9BP-related conditions. ClinVar contains an entry for this variant (Variation ID: 1429158). Algorithms developed to predict the effect of missense changes on protein structure and function are either unavailable or do not agree on the potential impact of this missense change (SIFT: "Deleterious"; PolyPhen-2: "Probably Damaging"; Align-GVGD: "Class C15"). In summary, the available evidence is currently insufficient to determine the role of this variant in disease. Therefore, it has been classified as a Variant of Uncertain Significance.